The following is an entry in ClinVar:

ClinVar aggregate classification (germline): Uncertain significance (1 of 4 stars; one submission).

Allele frequency attached by ClinVar (database versions not stated): gnomAD exomes below 0.00001.
gnomAD v4.1: 1 of 1,614,204 alleles (0.000062%); highest among the groups gnomAD compares: Non-Finnish European, 0.000085%; no homozygotes.

Submission:

Labcorp Genetics (formerly Invitae), Labcorp
Classification: Uncertain significance. Last evaluated: 2024-02-24. Review status: criteria provided, single submitter. Criteria: Invitae Variant Classification Sherloc (09022015). Collection method: clinical testing. Allele origin: germline.
Comment: This sequence change replaces valine, which is neutral and non-polar, with alanine, which is neutral and non-polar, at codon 366 of the SLC17A8 protein (p.Val366Ala). This variant is not present in population databases (gnomAD no frequency). This variant has not been reported in the literature in individuals affected with SLC17A8-related conditions. ClinVar contains an entry for this variant (Variation ID: 1370494). Advanced modeling of protein sequence and biophysical properties (such as structural, functional, and spatial information, amino acid conservation, physicochemical variation, residue mobility, and thermodynamic stability) performed at Invitae indicates that this missense variant is not expected to disrupt SLC17A8 protein function with a negative predictive value of 80%. In summary, the available evidence is currently insufficient to determine the role of this variant in disease. Therefore, it has been classified as a Variant of Uncertain Significance.

NM_139319.3(SLC17A8):c.1097T>C (p.Val366Ala)

Gene: SLC17A8 (solute carrier family 17 member 8; plus strand). Cytogenetic location: 12q23.1.
Variant type: single nucleotide variant.
Coding change: c.1097T>C on transcript NM_139319.3 (MANE Select); coding-DNA position 1097, T replaced by C.
Protein change: p.Val366Ala; replaces valine 366 with alanine.
Molecular consequence: missense variant.
Genome position (GRCh38, 1-based): chr12:100,404,081, T>C. VCF-style: chr12-100404081-T-C. GRCh37 (hg19) VCF-style: chr12-100797859-T-C.
Other names: c.947T>C, p.Val316Ala (NM_001145288.2); short protein forms V316A, V366A.
Identifiers: ClinVar variation 1370494 (VCV001370494.6), dbSNP rs2136007216, ClinGen allele CA386219444.
Genomic context (GRCh38, chr12:100,404,081, plus strand): 5'-GTTTCTTTCCCTTCCAGGTGGGTCTCTTGTCAGCAGTCCCACACATGGTTATGACAATCG[T>C]TGTACCTATTGGAGGACAATTGGCTGATTATTTAAGAAGCAGACAAATTTTAACCACAAC-3'
Protein context (NP_647480.1, residues 356-376): SAVPHMVMTI[Val366Ala]VPIGGQLADY